The following is an entry in ClinVar:

NM_005560.6(LAMA5):c.8822C>T (p.Thr2941Met)

Gene: LAMA5 (laminin subunit alpha 5; minus strand). Cytogenetic location: 20q13.33.
Variant type: single nucleotide variant.
Coding change: c.8822C>T on transcript NM_005560.6 (MANE Select); coding-DNA position 8822, C replaced by T.
Protein change: p.Thr2941Met; replaces threonine 2941 with methionine.
Molecular consequence: missense variant.
Genome position (GRCh38, 1-based): chr20:62,313,221, G>A on the plus strand (C>T on the coding strand, the complement: LAMA5 is on the minus strand). VCF-style: chr20-62313221-G-A. GRCh37 (hg19) VCF-style: chr20-60888277-G-A.
Other names: short protein forms T2941M.
Identifiers: ClinVar variation 2581316 (VCV002581316.1), dbSNP rs749776346, ClinGen allele CA9940540.

ClinVar aggregate classification (germline): Uncertain significance (1 of 4 stars; one submission).

Allele frequency attached by ClinVar (database versions not stated): TOPMed below 0.00001; gnomAD 0.00001; gnomAD exomes 0.00001.
gnomAD v4.1: 11 of 1,546,088 alleles (0.00071%); highest among the groups gnomAD compares: South Asian, 0.0024%; no homozygotes.

Submission:

Women's Health and Genetics/Laboratory Corporation of America, LabCorp
Classification: Uncertain significance. Last evaluated: 2023-08-23. Review status: criteria provided, single submitter. Criteria: LabCorp Variant Classification Summary - May 2015. Collection method: clinical testing. Allele origin: germline.
Comment: Variant summary: LAMA5 c.8822C>T (p.Thr2941Met) results in a non-conservative amino acid change in the encoded protein sequence. Four of five in-silico tools predict a damaging effect of the variant on protein function. The variant allele was found at a frequency of 6.4e-06 in 156892 control chromosomes (gnomAD). The available data on variant occurrences in the general population are insufficient to allow any conclusion about variant significance. c.8822C>T has been reported in the literature in individuals affected with Autism (Zhou_2022). This report does not provide unequivocal conclusions about association of the variant with LAMA5-Related Disorders. To our knowledge, no experimental evidence demonstrating an impact on protein function has been reported. The following publication has been ascertained in the context of this evaluation (PMID: 35982159). No submitters have cited clinical-significance assessments for this variant to ClinVar after 2014. Based on the evidence outlined above, the variant was classified as uncertain significance.

Literature cited by the submitters: PubMed 35982159.